The following is an entry in ClinVar:

ClinVar aggregate classification (germline): Pathogenic (1 of 4 stars; one submission).

Conditions:
Developmental and epileptic encephalopathy 94 (DEE94). Also called: Epileptic encephalopathy, childhood-onset; CHD2-Related Neurodevelopmental Disorders. Identifiers: Orphanet 1942, Orphanet 2382, MedGen C3809278, MONDO:0014150, OMIM 615369.

Submission:

Labcorp Genetics (formerly Invitae), Labcorp
Classification: Pathogenic for Developmental and epileptic encephalopathy 94. Last evaluated: 2020-02-04. Review status: criteria provided, single submitter. Criteria: Invitae Variant Classification Sherloc (09022015). Collection method: clinical testing. Allele origin: germline.
Comment: This sequence change creates a premature translational stop signal (p.Phe863Alafs*22) in the CHD2 gene. It is expected to result in an absent or disrupted protein product. This variant is not present in population databases (ExAC no frequency). This variant has not been reported in the literature in individuals with CHD2-related conditions. Loss-of-function variants in CHD2 are known to be pathogenic (PMID: 23708187, 24207121). For these reasons, this variant has been classified as Pathogenic.

Literature cited by the submitters: PubMed 23708187; PubMed 24207121.

NM_001271.4(CHD2):c.2587_2591del (p.Phe863fs)

Gene: CHD2 (chromodomain helicase DNA binding protein 2; plus strand). Cytogenetic location: 15q26.1.
Variant type: Deletion.
Coding change: c.2587_2591del on transcript NM_001271.4 (MANE Select); coding-DNA positions 2587 to 2591, 5 bases deleted (TTCCT; older notation c.2587_2591delTTCCT).
Protein change: p.Phe863fs; shifts the reading frame from phenylalanine 863.
Molecular consequence: frameshift variant.
Genome position (GRCh38, 1-based): chr15:92,978,243-92,978,247, TTCCT deleted; deleting any 5 consecutive bases within chr15:92,978,242-92,978,247 gives the same sequence; the c. name uses the placement nearest the transcript's 3' end. VCF-style (leftmost placement, unchanged base first): chr15-92978241-GTTTCC-G. GRCh37 (hg19) VCF-style: chr15-93521471-GTTTCC-G.
Other names: short protein forms F863fs.
Identifiers: ClinVar variation 1069910 (VCV001069910.2), dbSNP rs2141843174, ClinGen allele CA2499223180.